The following is an entry in ClinVar:

ClinVar aggregate classification (germline): Benign (1 of 4 stars; one submission).

Allele frequency attached by ClinVar (database versions not stated): gnomAD 0.51282 and 0.51911; TOPMed 0.53125; 1000 Genomes Project 0.56849; 1000 Genomes Project 30x 0.57886.
gnomAD v4.1: 77,795 of 152,048 alleles (51%); highest among the groups gnomAD compares: African/African-American, 84%; 23,177 homozygotes.

Submission:

GeneDx
Classification: Benign. Last evaluated: 2018-06-16. Review status: criteria provided, single submitter. Criteria: GeneDx Variant Classification (06012015). Collection method: clinical testing. Allele origin: germline. Affected: yes.
Comment: This variant is considered likely benign or benign based on one or more of the following criteria: it is a conservative change, it occurs at a poorly conserved position in the protein, it is predicted to be benign by multiple in silico algorithms, and/or has population frequency not consistent with disease.

NM_002894.3(RBBP8):c.1940-156G>T

Gene: RBBP8 (RB binding protein 8, endonuclease; plus strand). Cytogenetic location: 18q11.2.
Variant type: single nucleotide variant.
Coding change: c.1940-156G>T on transcript NM_002894.3 (MANE Select); 156 bases into the intron before coding-DNA position 1940, G replaced by T.
Molecular consequence: intron variant.
Genome position (GRCh38, 1-based): chr18:22,996,218, G>T. VCF-style: chr18-22996218-G-T. GRCh37 (hg19) VCF-style: chr18-20576181-G-T.
Other names: c.1940-156G>T (NM_203292.2, NM_203291.2).
Identifiers: ClinVar variation 673956 (VCV000673956.1), dbSNP rs4471804, ClinGen allele CA15929362.
Genomic context (GRCh38, chr18:22,996,218, plus strand): 5'-GAGAACTGTCTATTTAGATCCTTTGCCCATCTTTAATTGGGATATTTGTCTTTTTATTAT[G>T]GAGCTGTGAGAGTTCTTTATATATCTTAGATATAAGTCCTTTACCAGACATATGATTTGC-3'